The following is an entry in ClinVar:

NM_001130438.3(SPTAN1):c.6191C>T (p.Ala2064Val)

Gene: SPTAN1 (spectrin alpha, non-erythrocytic 1; plus strand). Cytogenetic location: 9q34.11.
Variant type: single nucleotide variant.
Coding change: c.6191C>T on transcript NM_001130438.3 (MANE Select); coding-DNA position 6191, C replaced by T.
Protein change: p.Ala2064Val; replaces alanine 2064 with valine.
Molecular consequence: missense variant.
Genome position (GRCh38, 1-based): chr9:128,625,890, C>T. VCF-style: chr9-128625890-C-T. GRCh37 (hg19) VCF-style: chr9-131388169-C-T.
Other names: c.6131C>T, p.Ala2044Val (NM_001375314.2, NM_001363765.2); c.6227C>T, p.Ala2076Val (NM_001375318.1, NM_001375312.2); c.6176C>T, p.Ala2059Val (NM_003127.4); c.6116C>T, p.Ala2039Val (NM_001195532.2); c.6191C>T, p.Ala2064Val (NM_001363759.2, NM_001375310.1, NM_001375311.2 and 1 more transcripts); short protein forms A2039V, A2076V, A2044V, A2059V, A2064V.
Identifiers: ClinVar variation 2125706 (VCV002125706.4), dbSNP rs2542190519, ClinGen allele CA375086929.

ClinVar aggregate classification (germline): Uncertain significance (1 of 4 stars; one submission).

Conditions:
Early-infantile DEE. Also called: Early infantile epileptic encephalopathy; Ohtahara syndrome; Early infantile epileptic encephalopathy with suppression bursts. Identifiers: Orphanet 1934, MedGen C0393706, MONDO:0800491.

Submission:

Labcorp Genetics (formerly Invitae), Labcorp
Classification: Uncertain significance for Early-infantile DEE. Last evaluated: 2022-05-25. Review status: criteria provided, single submitter. Criteria: Invitae Variant Classification Sherloc (09022015). Collection method: clinical testing. Allele origin: germline.
Comment: This variant has not been reported in the literature in individuals affected with SPTAN1-related conditions. This variant is not present in population databases (gnomAD no frequency). This sequence change replaces alanine, which is neutral and non-polar, with valine, which is neutral and non-polar, at codon 2064 of the SPTAN1 protein (p.Ala2064Val). Algorithms developed to predict the effect of missense changes on protein structure and function are either unavailable or do not agree on the potential impact of this missense change (SIFT: "Deleterious"; PolyPhen-2: "Benign"; Align-GVGD: "Class C0"). In summary, the available evidence is currently insufficient to determine the role of this variant in disease. Therefore, it has been classified as a Variant of Uncertain Significance.